The following is an entry in ClinVar:

NM_001364171.2(ODAD1):c.1517dup (p.Phe507_Glu508insTer)

Gene: ODAD1 (outer dynein arm docking complex subunit 1; minus strand). Cytogenetic location: 19q13.33.
Variant type: Duplication.
Coding change: c.1517dup on transcript NM_001364171.2 (MANE Select); coding-DNA position 1517, one base duplicated (G; older notation c.1517dupG).
Protein change: p.Phe507_Glu508insTer.
Molecular consequence: frameshift variant.
Genome position (GRCh38, 1-based): chr19:48,297,654, C duplicated on the plus strand (G on the coding strand, the reverse complement: ODAD1 is on the minus strand); the first of 3 consecutive C bases (chr19:48,297,654-48,297,656); duplicating any one gives the same sequence. VCF-style (leftmost placement, unchanged base first): chr19-48297653-A-AC. GRCh37 (hg19) VCF-style: chr19-48800910-A-AC.
Other names: c.1406dup, p.Phe470_Glu471insTer (NM_144577.4); c.1406dup (NM_144577.3); c.1406dupG (NM_144577.3).
Identifiers: ClinVar variation 570116 (VCV000570116.5), dbSNP rs766394527, ClinGen allele CA9548653.

ClinVar aggregate classification (germline): Conflicting classifications of pathogenicity. Review status: criteria provided, conflicting classifications (1 of 4 stars). 2 submissions from 2 submitters: Pathogenic (1); Uncertain significance (1). Last evaluated 2025-06-18.

Conditions:
Primary ciliary dyskinesia. Also called: Ciliary dyskinesia. Identifiers: Orphanet 244, MedGen C0008780, MONDO:0016575, HP:0012265.

Submissions (2):

GeneDx
Classification: Uncertain significance. Last evaluated: 2025-06-18. Review status: criteria provided, single submitter. Criteria: GeneDx Variant Classification Process June 2021. Collection method: clinical testing. Allele origin: germline. Affected: yes.
Comment: Nonsense variant predicted to result in protein truncation or nonsense mediated decay in a gene for which loss of function is a known mechanism of disease; Has not been previously published as pathogenic or benign to our knowledge

Labcorp Genetics (formerly Invitae), Labcorp
Classification: Pathogenic for Primary ciliary dyskinesia. Last evaluated: 2017-11-28. Review status: criteria provided, single submitter. Criteria: Invitae Variant Classification Sherloc (09022015). Collection method: clinical testing. Allele origin: germline.
Comment: This sequence change creates a premature translational stop signal (p.Glu471*) in the CCDC114 gene. It is expected to result in an absent or disrupted protein product. The frequency data for this variant in the population databases is considered unreliable, as metrics indicate poor data quality at this position in the ExAC database. This variant has not been reported in the literature in individuals with CCDC114-related disease. Loss-of-function variants in CCDC114 are known to be pathogenic (PMID: 23261302, 23261303). For these reasons, this variant has been classified as Pathogenic.

Literature cited by the submitters: PubMed 23261302 (cited by Labcorp Genetics (formerly Invitae), Labcorp); PubMed 23261303 (cited by Labcorp Genetics (formerly Invitae), Labcorp).